The following is an entry in ClinVar:

NC_000001.10:g.(?_26764639)_(26764795_?)del

Gene: DHDDS (dehydrodolichyl diphosphate synthase subunit; plus strand). Cytogenetic location: 1p36.11.
Variant type: Deletion.
Identifiers: ClinVar variation 1525125 (VCV001525125.6).

ClinVar aggregate classification (germline): Pathogenic (1 of 4 stars; one submission).

Conditions:
Retinitis pigmentosa 59 (RP59). Identifiers: Orphanet 791, MedGen C3151227, MONDO:0013468, OMIM 613861.

Submission:

Labcorp Genetics (formerly Invitae), Labcorp
Classification: Pathogenic for Retinitis pigmentosa 59. Last evaluated: 2023-12-09. Review status: criteria provided, single submitter. Criteria: Invitae Variant Classification Sherloc (09022015). Collection method: clinical testing. Allele origin: germline.
Comment: This variant is a gross deletion of the genomic region encompassing exon(s) 3 of the DHDDS gene. This variant would be expected to be in-frame, preserving the integrity of the reading frame. This variant has not been reported in the literature in individuals affected with DHDDS-related conditions. This variant disrupts a region of the DHDDS protein in which other variant(s) (p.Lys42Glu) have been determined to be pathogenic (PMID: 21295282, 21295283, 24664694, 25066056, 28130426). This suggests that this is a clinically significant region of the protein, and that variants that disrupt it are likely to be disease-causing. For these reasons, this variant has been classified as Pathogenic.

Literature cited by the submitters: PubMed 21295282; PubMed 21295283; PubMed 24664694; PubMed 25066056; PubMed 28130426.